The following is an entry in ClinVar:

ClinVar aggregate classification (germline): Uncertain significance (1 of 4 stars; one submission).

Conditions:
Alstrom syndrome (ALMS). Identifiers: Orphanet 64, MedGen C0268425, MONDO:0008763, OMIM 203800.

Allele frequency attached by ClinVar (database versions not stated): TOPMed below 0.00001.

Submission:

Labcorp Genetics (formerly Invitae), Labcorp
Classification: Uncertain significance for Alstrom syndrome. Last evaluated: 2021-10-10. Review status: criteria provided, single submitter. Criteria: Invitae Variant Classification Sherloc (09022015). Collection method: clinical testing. Allele origin: germline.
Comment: This sequence change replaces glycine with aspartic acid at codon 86 of the ALMS1 protein (p.Gly86Asp). The glycine residue is weakly conserved and there is a moderate physicochemical difference between glycine and aspartic acid. This variant is not present in population databases (ExAC no frequency). This variant has not been reported in the literature in individuals affected with ALMS1-related conditions. Experimental studies and prediction algorithms are not available or were not evaluated, and the functional significance of this variant is currently unknown. In summary, the available evidence is currently insufficient to determine the role of this variant in disease. Therefore, it has been classified as a Variant of Uncertain Significance.

NM_001378454.1(ALMS1):c.254G>A (p.Gly85Asp)

Gene: ALMS1 (ALMS1 centrosome and basal body associated protein; plus strand). Cytogenetic location: 2p13.1.
Variant type: single nucleotide variant.
Coding change: c.254G>A on transcript NM_001378454.1 (MANE Select); coding-DNA position 254, G replaced by A.
Protein change: p.Gly85Asp; replaces glycine 85 with aspartic acid.
Molecular consequence: missense variant.
Genome position (GRCh38, 1-based): chr2:73,386,122, G>A. VCF-style: chr2-73386122-G-A. GRCh37 (hg19) VCF-style: chr2-73613250-G-A.
Other names: c.257G>A, p.Gly86Asp (NM_015120.4); short protein forms G86D, G85D.
Identifiers: ClinVar variation 1405675 (VCV001405675.3), dbSNP rs1574424065, ClinGen allele CA347250934.
Genomic context (GRCh38, chr2:73,386,122, plus strand): 5'-TGGAAAGTATAGACGACGAGGAGGACGAGGAGGCCAAGGCCTGGCTGCAGGCGCACCCCG[G>A]CAGGATTTTGCCTCCGCTGTCGCCCCCGCAGCACCGCTACTCGGAGGGCGAGCGGACCTC-3'
Protein context (NP_001365383.1, residues 75-95): EAKAWLQAHP[Gly85Asp]RILPPLSPPQ